The following is an entry in ClinVar:

NM_001165963.4(SCN1A):c.5860C>T (p.Leu1954Phe)

Genes: SCN1A (sodium voltage-gated channel alpha subunit 1; minus strand), LOC102724058 (uncharacterized LOC102724058; plus strand). Cytogenetic location: 2q24.3.
Variant type: single nucleotide variant.
Coding change: c.5860C>T on transcript NM_001165963.4 (MANE Select); coding-DNA position 5860, C replaced by T.
Protein change: p.Leu1954Phe; replaces leucine 1954 with phenylalanine.
Molecular consequence: missense variant. On other transcripts: non-coding transcript variant (1).
Genome position (GRCh38, 1-based): chr2:165,991,415, G>A on the plus strand (C>T on the coding strand, the complement: SCN1A is on the minus strand). VCF-style: chr2-165991415-G-A. GRCh37 (hg19) VCF-style: chr2-166847925-G-A.
Other names: c.5776C>T, p.Leu1926Phe (NM_001165964.3, NM_001353957.2, NM_001353958.2); c.5860C>T, p.Leu1954Phe (NM_001202435.3, NM_001353948.2); c.5827C>T, p.Leu1943Phe (NM_001353949.2, NM_001353950.2, NM_001353951.2 and 2 more transcripts); c.5824C>T, p.Leu1942Phe (NM_001353954.2, NM_001353955.2); c.5773C>T, p.Leu1925Phe (NM_001353960.2); c.3418C>T, p.Leu1140Phe (NM_001353961.2); short protein forms L1140F, L1925F, L1926F, L1943F, L1942F, L1954F.
Identifiers: ClinVar variation 651755 (VCV000651755.9), dbSNP rs1573941131, ClinGen allele CA349063495.

ClinVar aggregate classification (germline): Uncertain significance (1 of 4 stars; one submission).

Conditions:
Early-infantile DEE. Also called: Early infantile epileptic encephalopathy with suppression bursts; Early infantile epileptic encephalopathy; Ohtahara syndrome. Identifiers: Orphanet 1934, MedGen C0393706, MONDO:0800491.

Submission:

Labcorp Genetics (formerly Invitae), Labcorp
Classification: Uncertain significance for Early-infantile DEE. Last evaluated: 2020-03-07. Review status: criteria provided, single submitter. Criteria: Invitae Variant Classification Sherloc (09022015). Collection method: clinical testing. Allele origin: germline.
Comment: Algorithms developed to predict the effect of missense changes on protein structure and function (SIFT, PolyPhen-2, Align-GVGD) all suggest that this variant is likely to be tolerated, but these predictions have not been confirmed by published functional studies and their clinical significance is uncertain. This sequence change replaces leucine with phenylalanine at codon 1954 of the SCN1A protein (p.Leu1954Phe). The leucine residue is highly conserved and there is a small physicochemical difference between leucine and phenylalanine. This variant is not present in population databases (ExAC no frequency). This variant has not been reported in the literature in individuals with SCN1A-related disease. In summary, the available evidence is currently insufficient to determine the role of this variant in disease. Therefore, it has been classified as a Variant of Uncertain Significance.